The following is an entry in ClinVar:

ClinVar aggregate classification (germline): Conflicting classifications of pathogenicity. Review status: criteria provided, conflicting classifications (1 of 4 stars). 4 submissions from 4 submitters: Uncertain significance (2); Likely benign (2). Last evaluated 2025-06-18.

Conditions:
Melnick-Fraser syndrome (BOR). Also called: Branchiootorenal Syndrome (BORS); Branchiootorenal syndrome; Branchio-oto-renal syndrome. Identifiers: Orphanet 107, MedGen C0265234, MONDO:0007029.
Branchiootic syndrome 1 (BOS1). Also called: BO SYNDROME 1; BRANCHIOOTIC DYSPLASIA. Identifiers: MedGen C1865143, MONDO:0011258, OMIM 602588.
Branchiootorenal syndrome 1. Also called: Branchio-Oto-Renal Syndrome 1. Identifiers: Orphanet 107, MedGen C4551702, MONDO:0007236, OMIM 113650.
Otofaciocervical syndrome 1 (OTFCS). Identifiers: MedGen C3714941, MONDO:0024532, OMIM 166780.

Allele frequency attached by ClinVar (database versions not stated): gnomAD exomes 0.00001 and 0.00002; ExAC 0.00002; ESP Exome Variant Server 0.00008; gnomAD 0.00005; TOPMed 0.00014; 1000 Genomes Project 30x 0.00016; 1000 Genomes Project 0.00020.
gnomAD v4.1: 22 of 1,612,584 alleles (0.0014%); highest among the groups gnomAD compares: African/African-American, 0.028%; no homozygotes.

Submissions (4):

Labcorp Genetics (formerly Invitae), Labcorp
Classification: Likely benign for Melnick-Fraser syndrome. Last evaluated: 2025-06-18. Review status: criteria provided, single submitter. Criteria: Invitae Variant Classification Sherloc (09022015). Collection method: clinical testing. Allele origin: germline.

Fulgent Genetics
Classification: Uncertain significance for Branchiootorenal syndrome 1; Otofaciocervical syndrome 1; Branchiootic syndrome 1. Last evaluated: 2024-05-19. Review status: criteria provided, single submitter. Criteria: ACMG Guidelines, 2015. Collection method: clinical testing. Allele origin: germline.

GeneDx
Classification: Uncertain significance. Last evaluated: 2022-10-12. Review status: criteria provided, single submitter. Criteria: GeneDx Variant Classification Process June 2021. Collection method: clinical testing. Allele origin: germline. Affected: yes.
Comment: In silico analysis supports that this missense variant has a deleterious effect on protein structure/function; Has not been previously published as pathogenic or benign to our knowledge

Laboratory for Molecular Medicine, Mass General Brigham Personalized Medicine
Classification: Likely benign. Last evaluated: 2018-04-10. Review status: criteria provided, single submitter. Criteria: LMM Criteria. Collection method: clinical testing. Allele origin: germline. Observed: 1 variant allele.
Comment: p.Pro89Leu (c.266C>T) in exon 4 of EYA1: This variant is likely benign because i t has been identified in 0.03% (7/24010) African chromosomes by the Genome Aggre gation Database (gnomAD; dbSNP rs368351103). A CMG/AMP Criteria applied: BS1.

NM_000503.6(EYA1):c.266C>T (p.Pro89Leu)

Gene: EYA1 (EYA transcriptional coactivator and phosphatase 1; minus strand). Cytogenetic location: 8q13.3.
Variant type: single nucleotide variant.
Coding change: c.266C>T on transcript NM_000503.6 (MANE Select); coding-DNA position 266, C replaced by T.
Protein change: p.Pro89Leu; replaces proline 89 with leucine.
Molecular consequence: missense variant. On other transcripts: 5 prime UTR variant (1).
Genome position (GRCh38, 1-based): chr8:71,322,205, G>A on the plus strand (C>T on the coding strand, the complement: EYA1 is on the minus strand). VCF-style: chr8-71322205-G-A. GRCh37 (hg19) VCF-style: chr8-72234440-G-A.
Other names: c.266C>T, p.Pro89Leu (NM_001288574.2, NM_001370334.1, NM_001370335.1 and 1 more transcripts); c.-19C>T (NM_001288575.2); c.353C>T, p.Pro118Leu (NM_001370333.1, NM_001370336.1, NM_172059.5); short protein forms P118L, P89L.
Identifiers: ClinVar variation 667109 (VCV000667109.14), dbSNP rs368351103, ClinGen allele CA4779839.